The following is an entry in ClinVar:

ClinVar aggregate classification (germline): Uncertain significance. Review status: criteria provided, multiple submitters, no conflicts (2 of 4 stars). 2 submissions from 2 submitters: Uncertain significance (2). Last evaluated 2024-08-19.

Allele frequency attached by ClinVar (database versions not stated): ExAC 0.00002; gnomAD exomes 0.00002 and 0.00003; gnomAD 0.00004; TOPMed 0.00006; ESP Exome Variant Server 0.00008.
gnomAD v4.1: 34 of 1,613,488 alleles (0.0021%); highest among the groups gnomAD compares: African/African-American, 0.015%; no homozygotes.

Submissions (2):

Labcorp Genetics (formerly Invitae), Labcorp
Classification: Uncertain significance. Last evaluated: 2024-08-19. Review status: criteria provided, single submitter. Criteria: Invitae Variant Classification Sherloc (09022015). Collection method: clinical testing. Allele origin: germline.
Comment: This sequence change replaces arginine, which is basic and polar, with glutamine, which is neutral and polar, at codon 1038 of the ABCC6 protein (p.Arg1038Gln). This variant is present in population databases (rs371211631, gnomAD 0.02%). This variant has not been reported in the literature in individuals affected with ABCC6-related conditions. ClinVar contains an entry for this variant (Variation ID: 1498159). Invitae Evidence Modeling of protein sequence and biophysical properties (such as structural, functional, and spatial information, amino acid conservation, physicochemical variation, residue mobility, and thermodynamic stability) indicates that this missense variant is not expected to disrupt ABCC6 protein function with a negative predictive value of 95%. In summary, the available evidence is currently insufficient to determine the role of this variant in disease. Therefore, it has been classified as a Variant of Uncertain Significance.

CeGaT Center for Human Genetics Tuebingen
Classification: Uncertain significance. Last evaluated: 2024-02-01. Review status: criteria provided, single submitter. Criteria: CeGaT Center For Human Genetics Tuebingen Variant Classification Criteria Version 2. Collection method: clinical testing. Allele origin: germline. Affected: yes. Observed: 1 variant allele.
Comment: ABCC6: PM2, BP4

NM_001171.6(ABCC6):c.3113G>A (p.Arg1038Gln)

Gene: ABCC6 (ATP binding cassette subfamily C member 6; minus strand). Cytogenetic location: 16p13.11.
Variant type: single nucleotide variant.
Coding change: c.3113G>A on transcript NM_001171.6 (MANE Select); coding-DNA position 3113, G replaced by A.
Protein change: p.Arg1038Gln; replaces arginine 1038 with glutamine.
Molecular consequence: missense variant. On other transcripts: non-coding transcript variant (1).
Genome position (GRCh38, 1-based): chr16:16,165,816, C>T on the plus strand (G>A on the coding strand, the complement: ABCC6 is on the minus strand). VCF-style: chr16-16165816-C-T. GRCh37 (hg19) VCF-style: chr16-16259673-C-T.
Other names: c.2771G>A, p.Arg924Gln (NM_001351800.1); short protein forms R1038Q, R924Q.
Identifiers: ClinVar variation 1498159 (VCV001498159.26), dbSNP rs371211631, ClinGen allele CA7925686.